The following is an entry in ClinVar:

ClinVar aggregate classification (germline): Likely benign (0 of 4 stars; one submission).

Conditions:
DMRT2-related disorder. Also called: DMRT2-related condition.

Allele frequency attached by ClinVar (database versions not stated): ExAC 0.00078; ESP Exome Variant Server 0.00208; gnomAD 0.00210; 1000 Genomes Project 30x 0.00422; 1000 Genomes Project 0.00439.
gnomAD v4.1: 783 of 1,614,158 alleles (0.049%); highest among the groups gnomAD compares: African/African-American, 0.73%; 1 homozygote.

Submission:

PreventionGenetics, part of Exact Sciences
Classification: Likely benign for DMRT2-related condition. Last evaluated: 2023-08-15. Review status: no assertion criteria provided. Collection method: clinical testing. Allele origin: germline.
Comment: This variant is classified as likely benign based on ACMG/AMP sequence variant interpretation guidelines (Richards et al. 2015 PMID: 25741868, with internal and published modifications).

NM_181872.6(DMRT2):c.1290C>A (p.Ser430=)

Gene: DMRT2 (doublesex and mab-3 related transcription factor 2; plus strand). Cytogenetic location: 9p24.3.
Variant type: single nucleotide variant.
Coding change: c.1290C>A on transcript NM_181872.6 (MANE Select); coding-DNA position 1290, C replaced by A.
Protein change: p.Ser430=; no amino-acid change (serine 430 retained).
Molecular consequence: synonymous variant. On other transcripts: 3 prime UTR variant (4), non-coding transcript variant (1).
Genome position (GRCh38, 1-based): chr9:1,056,877, C>A. VCF-style: chr9-1056877-C-A. GRCh37 (hg19) VCF-style: chr9-1056877-C-A.
Other names: c.*687C>A (NM_001130865.3, NM_001370533.1, NM_001387557.1); c.768C>A, p.Ser256= (NM_001370532.1); c.1290C>A, p.Ser430= (NM_001387558.1, NM_001387559.1); c.591C>A, p.Ser197= (NM_001387560.1); c.*1103C>A (NM_006557.7).
Identifiers: ClinVar variation 3039062 (VCV003039062.2), dbSNP rs113111105, ClinGen allele CA4962589.